The following is an entry in ClinVar:

NM_020041.3(SLC2A9):c.727G>A (p.Val243Ile)

Gene: SLC2A9 (solute carrier family 2 member 9; minus strand). Cytogenetic location: 4p16.1.
Variant type: single nucleotide variant.
Coding change: c.727G>A on transcript NM_020041.3 (MANE Select); coding-DNA position 727, G replaced by A.
Protein change: p.Val243Ile; replaces valine 243 with isoleucine.
Molecular consequence: missense variant.
Genome position (GRCh38, 1-based): chr4:9,942,000, C>T on the plus strand (G>A on the coding strand, the complement: SLC2A9 is on the minus strand). VCF-style: chr4-9942000-C-T. GRCh37 (hg19) VCF-style: chr4-9943624-C-T.
Other names: c.640G>A, p.Val214Ile (NM_001001290.2); short protein forms V214I, V243I.
Identifiers: ClinVar variation 904605 (VCV000904605.9), dbSNP rs149454410, ClinGen allele CA2857114.
Genomic context (GRCh38, chr4:9,942,000, plus strand): 5'-TCTCCAAGAGCAGGTAGCGTGGGCTGTCCGGGAGAAAGGGAAGGCTCAGCAGCTGGACAA[C>T]GGCAGGGACCACAATCACTCCAAACAGGTATGGCCAGGTACTCTCCTGTGGGAGAAGGAG-3'
Protein context (NP_064425.2, residues 233-253): YLFGVIVVPA[Val243Ile]VQLLSLPFLP

ClinVar aggregate classification (germline): Conflicting classifications of pathogenicity. Review status: criteria provided, conflicting classifications (1 of 4 stars). 4 submissions from 4 submitters: Uncertain significance (3); Benign (1). Last evaluated 2025-10-21.

Conditions:
Hypouricemia, renal, 2. Also called: HYPOURICEMIA, RENAL, 2, AUTOSOMAL DOMINANT; HYPOURICEMIA, RENAL, 2, AUTOSOMAL RECESSIVE. Identifiers: MedGen C2677549, MONDO:0012793, OMIM 612076.
SLC2A9-related disorder. Also called: SLC2A9-related condition.

Allele frequency attached by ClinVar (database versions not stated): gnomAD 0.00037 and 0.00038; TOPMed 0.00040; ESP Exome Variant Server 0.00077.
gnomAD v4.1: 1,158 of 1,614,066 alleles (0.072%); highest among the groups gnomAD compares: Non-Finnish European, 0.093%; no homozygotes.

Submissions (4):

PreventionGenetics, part of Exact Sciences
Classification: Uncertain significance for SLC2A9-related condition. Last evaluated: 2025-10-21. Review status: criteria provided, single submitter. Criteria: ACMG Guidelines, 2015. Collection method: clinical testing. Allele origin: germline.
Comment: The SLC2A9 c.727G>A variant is predicted to result in the amino acid substitution p.Val243Ile. To our knowledge, this variant has not been reported in the literature. This variant is reported in 0.059% of alleles in individuals of European (Non-Finnish) descent in gnomAD. Although we suspect that this variant may be benign, at this time, the clinical significance of this variant is uncertain due to the absence of conclusive functional and genetic evidence.

Labcorp Genetics (formerly Invitae), Labcorp
Classification: Uncertain significance. Last evaluated: 2021-11-12. Review status: criteria provided, single submitter. Criteria: Invitae Variant Classification Sherloc (09022015). Collection method: clinical testing. Allele origin: germline.
Comment: This sequence change replaces valine, which is neutral and non-polar, with isoleucine, which is neutral and non-polar, at codon 243 of the SLC2A9 protein (p.Val243Ile). This variant is present in population databases (rs149454410, gnomAD 0.06%). This variant has not been reported in the literature in individuals affected with SLC2A9-related conditions. ClinVar contains an entry for this variant (Variation ID: 904605). Algorithms developed to predict the effect of missense changes on protein structure and function output the following: SIFT: "Tolerated"; PolyPhen-2: "Benign"; Align-GVGD: "Class C0". The isoleucine amino acid residue is found in multiple mammalian species, which suggests that this missense change does not adversely affect protein function. In summary, the available evidence is currently insufficient to determine the role of this variant in disease. Therefore, it has been classified as a Variant of Uncertain Significance.

GeneDx
Classification: Uncertain significance. Last evaluated: 2019-06-13. Review status: criteria provided, single submitter. Criteria: GeneDx Variant Classification Process June 2021. Collection method: clinical testing. Allele origin: germline. Affected: yes.
Comment: In silico analysis, which includes protein predictors and evolutionary conservation, supports that this variant does not alter protein structure/function; Has not been previously published as pathogenic or benign to our knowledge

Illumina Laboratory Services, Illumina
Classification: Benign for Hypouricemia, renal, 2. Last evaluated: 2018-01-12. Review status: criteria provided, single submitter. Criteria: ICSL Variant Classification Criteria 13 December 2019. Collection method: clinical testing. Allele origin: germline.
Comment: This variant was observed in the ICSL laboratory as part of a predisposition screen in an ostensibly healthy population. It had not been previously curated by ICSL or reported in the Human Gene Mutation Database (HGMD: prior to June 1st, 2018), and was therefore a candidate for classification through an automated scoring system. Utilizing variant allele frequency, disease prevalence and penetrance estimates, and inheritance mode, an automated score was calculated to assess if this variant is too frequent to cause the disease. Based on the score and internal cut-off values, a variant classified as benign is not then subjected to further curation. The score for this variant resulted in a classification of benign for this disease.